The following is an entry in ClinVar:

ClinVar aggregate classification (germline): Likely benign (1 of 4 stars; one submission).

Allele frequency attached by ClinVar (database versions not stated): 1000 Genomes Project 30x 0.00016; 1000 Genomes Project 0.00020; ESP Exome Variant Server 0.00023; TOPMed 0.00049; ExAC 0.00061.
gnomAD v4.1: 882 of 1,614,062 alleles (0.055%); highest among the groups gnomAD compares: Middle Eastern, 0.74%; 3 homozygotes.

Submission:

CeGaT Center for Human Genetics Tuebingen
Classification: Likely benign. Last evaluated: 2022-12-01. Review status: criteria provided, single submitter. Criteria: CeGaT Center For Human Genetics Tuebingen Variant Classification Criteria Version 2. Collection method: clinical testing. Allele origin: germline. Affected: yes. Observed: 2 variant alleles.
Comment: ADAMTS14: BP4, BP7

NM_080722.4(ADAMTS14):c.1104G>A (p.Gly368=)

Gene: ADAMTS14 (ADAM metallopeptidase with thrombospondin type 1 motif 14; plus strand). Cytogenetic location: 10q22.1.
Variant type: single nucleotide variant.
Coding change: c.1104G>A on transcript NM_080722.4 (MANE Select); coding-DNA position 1104, G replaced by A.
Protein change: p.Gly368=; no amino-acid change (glycine 368 retained).
Molecular consequence: synonymous variant.
Genome position (GRCh38, 1-based): chr10:70,732,255, G>A. VCF-style: chr10-70732255-G-A. GRCh37 (hg19) VCF-style: chr10-72492011-G-A.
Other names: c.1113G>A, p.Gly371= (NM_139155.3).
Identifiers: ClinVar variation 2640557 (VCV002640557.24), dbSNP rs144483860, ClinGen allele CA5539538.
Genomic context (GRCh38, chr10:70,732,255, plus strand): 5'-GTGTCCTGCCTCACCTGCCCTCCACCTCGCTCTCCACCTTTTCTTTCTCTCTTCGGCAGG[G>A]TATGCACCCGTCACTGGCATGTGTCACCCCCTGAGGAGCTGTGCCCTCAACCATGAGGAT-3'
Protein context (NP_542453.2, residues 358-378): FLTRQDFGPS[Gly368=]YAPVTGMCHP